The following is an entry in ClinVar:

NM_005076.5(CNTN2):c.1696A>T (p.Lys566Ter)

Gene: CNTN2 (contactin 2; plus strand). Cytogenetic location: 1q32.1.
Variant type: single nucleotide variant.
Coding change: c.1696A>T on transcript NM_005076.5 (MANE Select); coding-DNA position 1696, A replaced by T.
Protein change: p.Lys566Ter; replaces lysine 566 with a stop codon.
Molecular consequence: nonsense. On other transcripts: non-coding transcript variant (1).
Genome position (GRCh38, 1-based): chr1:205,065,789, A>T. VCF-style: chr1-205065789-A-T. GRCh37 (hg19) VCF-style: chr1-205034917-A-T.
Other names: c.1696A>T, p.Lys566Ter (NM_001346083.2); short protein forms K566*.
Identifiers: ClinVar variation 3661528 (VCV003661528.2).
Genomic context (GRCh38, chr1:205,065,789, plus strand): 5'-CTGCTGCACTGGTCAGGGCCGGTGGTCTGACCTGCTGCCCCTAACTGTCCCCGTGTGCAG[A>T]AGGAGACCATTGGGGATCTGACCATCCTGAACGCCCAGCTGCGCCATGGGGGGAAGTACA-3'

ClinVar aggregate classification (germline): Pathogenic (1 of 4 stars; one submission).

Conditions:
Epilepsy, familial adult myoclonic, 5 (EPEO5). Also called: CORTICAL MYOCLONIC TREMOR WITH EPILEPSY, FAMILIAL, 5. Identifiers: Orphanet 86814, MedGen C3809374, MONDO:0014167, OMIM 615400.

Submission:

Labcorp Genetics (formerly Invitae), Labcorp
Classification: Pathogenic for Epilepsy, familial adult myoclonic, 5. Last evaluated: 2024-12-05. Review status: criteria provided, single submitter. Criteria: Invitae Variant Classification Sherloc (09022015). Collection method: clinical testing. Allele origin: germline.
Comment: This sequence change creates a premature translational stop signal (p.Lys566*) in the CNTN2 gene. It is expected to result in an absent or disrupted protein product. Loss-of-function variants in CNTN2 are known to be pathogenic (PMID: 11178983, 23518707). This variant is not present in population databases (gnomAD no frequency). This variant has not been reported in the literature in individuals affected with CNTN2-related conditions. Algorithms developed to predict the effect of sequence changes on RNA splicing suggest that this variant may create or strengthen a splice site. For these reasons, this variant has been classified as Pathogenic.

Literature cited by the submitters: PubMed 11178983; PubMed 23518707.